The following is an entry in ClinVar:

ClinVar aggregate classification (germline): Uncertain significance (1 of 4 stars; one submission).

Allele frequency attached by ClinVar (database versions not stated): gnomAD 0.00001.
gnomAD v4.1: 1 of 1,559,816 alleles (0.000064%); highest among the groups gnomAD compares: African/African-American, 0.0014%; no homozygotes.

Submission:

GeneDx
Classification: Uncertain significance. Last evaluated: 2023-01-23. Review status: criteria provided, single submitter. Criteria: GeneDx Variant Classification Process June 2021. Collection method: clinical testing. Allele origin: germline. Affected: yes.
Comment: Not observed at significant frequency in large population cohorts (gnomAD); In silico analysis supports that this missense variant does not alter protein structure/function; Has not been previously published as pathogenic or benign to our knowledge

NM_001394998.1(TANC2):c.976T>C (p.Ser326Pro)

Gene: TANC2 (tetratricopeptide repeat, ankyrin repeat and coiled-coil containing 2; plus strand). Cytogenetic location: 17q23.3.
Variant type: single nucleotide variant.
Coding change: c.976T>C on transcript NM_001394998.1 (MANE Select); coding-DNA position 976, T replaced by C.
Protein change: p.Ser326Pro; replaces serine 326 with proline.
Molecular consequence: missense variant.
Genome position (GRCh38, 1-based): chr17:63,238,020, T>C. VCF-style: chr17-63238020-T-C. GRCh37 (hg19) VCF-style: chr17-61315381-T-C.
Other names: c.754T>C, p.Ser252Pro (NM_001411076.1, NM_025185.4); short protein forms S252P, S326P.
Identifiers: ClinVar variation 2573751 (VCV002573751.1), dbSNP rs2042669987, ClinGen allele CA400792801.
Genomic context (GRCh38, chr17:63,238,020, plus strand): 5'-ATGACTGCTTCCACCTATAGTCTGAATAAGATCCCAGAGAGAAATTTGGAAACAGTGTTA[T>C]CTCAATCAGTACAGTCTATTCCTTTGTATCTCATGCCACGGCCAAATTCAGTAGCAGGTA-3'
Protein context (NP_001381927.1, residues 316-336): IPERNLETVL[Ser326Pro]QSVQSIPLYL